The following is an entry in ClinVar:

ClinVar aggregate classification (germline): Uncertain significance (1 of 4 stars; one submission).

Conditions:
Neuropathy, hereditary sensory, type 1F. Also called: HSN IF; Hereditary sensory neuropathy type IF. Identifiers: Orphanet 36386, MedGen C3810194, MONDO:0014286, OMIM 615632.

Submission:

Labcorp Genetics (formerly Invitae), Labcorp
Classification: Uncertain significance for Neuropathy, hereditary sensory, type 1F. Last evaluated: 2021-11-01. Review status: criteria provided, single submitter. Criteria: Invitae Variant Classification Sherloc (09022015). Collection method: clinical testing. Allele origin: germline.
Comment: This sequence change replaces cysteine, which is neutral and slightly polar, with tyrosine, which is neutral and polar, at codon 318 of the ATL3 protein (p.Cys318Tyr). In summary, the available evidence is currently insufficient to determine the role of this variant in disease. Therefore, it has been classified as a Variant of Uncertain Significance. Algorithms developed to predict the effect of missense changes on protein structure and function are either unavailable or do not agree on the potential impact of this missense change (SIFT: "Deleterious"; PolyPhen-2: "Probably Damaging"; Align-GVGD: "Class C0"). This variant has not been reported in the literature in individuals affected with ATL3-related conditions. This variant is not present in population databases (gnomAD no frequency).

NM_015459.5(ATL3):c.953G>A (p.Cys318Tyr)

Genes: ATL3 (atlastin GTPase 3; minus strand), LNCROPM (lncRNA regulator of PLAAT3 mediated phospholipid metabolism; plus strand). Cytogenetic location: 11q13.1.
Variant type: single nucleotide variant.
Coding change: c.953G>A on transcript NM_015459.5 (MANE Select); coding-DNA position 953, G replaced by A.
Protein change: p.Cys318Tyr; replaces cysteine 318 with tyrosine.
Molecular consequence: missense variant.
Genome position (GRCh38, 1-based): chr11:63,636,232, C>T on the plus strand (G>A on the coding strand, the complement: ATL3 is on the minus strand). VCF-style: chr11-63636232-C-T. GRCh37 (hg19) VCF-style: chr11-63403704-C-T.
Other names: c.899G>A, p.Cys300Tyr (NM_001290048.2); short protein forms C318Y, C300Y.
Identifiers: ClinVar variation 1472647 (VCV001472647.6), dbSNP rs2134473034, ClinGen allele CA381026502.